The following is an entry in ClinVar:

NM_000153.4(GALC):c.622-175C>T

Gene: GALC (galactosylceramidase; minus strand). Cytogenetic location: 14q31.3.
Variant type: single nucleotide variant.
Coding change: c.622-175C>T on transcript NM_000153.4 (MANE Select); 175 bases into the intron before coding-DNA position 622, C replaced by T.
Molecular consequence: intron variant.
Genome position (GRCh38, 1-based): chr14:87,976,663, G>A on the plus strand (C>T on the coding strand, the complement: GALC is on the minus strand). VCF-style: chr14-87976663-G-A. GRCh37 (hg19) VCF-style: chr14-88443007-G-A.
Other names: c.544-175C>T (NM_001201402.2); c.553-175C>T (NM_001201401.2).
Identifiers: ClinVar variation 681826 (VCV000681826.2), dbSNP rs111931900, ClinGen allele CA13997363.

ClinVar aggregate classification (germline): Benign. Review status: criteria provided, multiple submitters, no conflicts (2 of 4 stars). 2 submissions from 2 submitters: Benign (2). Last evaluated 2018-06-19.

Allele frequency attached by ClinVar (database versions not stated): 1000 Genomes Project 0.07947; 1000 Genomes Project 30x 0.08182; TOPMed 0.10655; gnomAD 0.11277 and 0.11402; gnomAD exomes 0.14115.
gnomAD v4.1: 75,045 of 562,342 alleles (13%); highest among the groups gnomAD compares: Non-Finnish European, 16%; 5,681 homozygotes.

Submissions (2):

GeneDx
Classification: Benign. Last evaluated: 2018-06-19. Review status: criteria provided, single submitter. Criteria: GeneDx Variant Classification (06012015). Collection method: clinical testing. Allele origin: germline. Affected: yes.
Comment: This variant is considered likely benign or benign based on one or more of the following criteria: it is a conservative change, it occurs at a poorly conserved position in the protein, it is predicted to be benign by multiple in silico algorithms, and/or has population frequency not consistent with disease.

Breakthrough Genomics
Classification: Benign. Review status: criteria provided, single submitter. Criteria: ACMG Guidelines, 2015. Collection method: not provided. Allele origin: germline. Inheritance: Autosomal recessive inheritance. Affected: yes.